The following is an entry in ClinVar:

NM_001235.5(SERPINH1):c.834C>T (p.Leu278=)

Gene: SERPINH1 (serpin family H member 1; plus strand). Cytogenetic location: 11q13.5.
Variant type: single nucleotide variant.
Coding change: c.834C>T on transcript NM_001235.5 (MANE Select); coding-DNA position 834, C replaced by T.
Protein change: p.Leu278=; no amino-acid change (leucine 278 retained).
Molecular consequence: synonymous variant.
Genome position (GRCh38, 1-based): chr11:75,569,051, C>T. VCF-style: chr11-75569051-C-T. GRCh37 (hg19) VCF-style: chr11-75280096-C-T.
Other names: c.834C>T, p.Leu278= (NM_001207014.3, NM_001440311.1, NM_001440312.1 and 4 more transcripts); c.735C>T, p.Leu245= (NM_001440317.1).
Identifiers: ClinVar variation 4707052 (VCV004707052.2).

ClinVar aggregate classification (germline): Likely benign. Review status: criteria provided, multiple submitters, no conflicts (2 of 4 stars). 2 submissions from 2 submitters: Likely benign (2). Last evaluated 2026-03-11.

gnomAD v4.1: 14 of 1,614,074 alleles (0.00087%); highest among the groups gnomAD compares: African/African-American, 0.0053%; no homozygotes.

Submissions (2):

Women's Health and Genetics/Laboratory Corporation of America, LabCorp
Classification: Likely benign. Last evaluated: 2026-03-11. Review status: criteria provided, single submitter. Criteria: LabCorp Variant Classification Summary - May 2015. Collection method: clinical testing. Allele origin: germline.
Comment: Variant summary: SERPINH1 c.834C>T alters a conserved nucleotide resulting in a synonymous change. Consensus agreement among computation tools predict no significant impact on normal splicing. However, these predictions have yet to be confirmed by functional studies. The variant allele was found at a frequency of 4e-06 in 251472 control chromosomes. The available data on variant occurrences in the general population are insufficient to allow any conclusion about variant significance. To our knowledge, no occurrence of c.834C>T in individuals affected with SERPINH1-related conditions and no experimental evidence demonstrating its impact on protein function have been reported. ClinVar contains an entry for this variant (Variation ID: 4707052). Based on the evidence outlined above, the variant was classified as likely benign.

Labcorp Genetics (formerly Invitae), Labcorp
Classification: Likely benign. Last evaluated: 2025-05-06. Review status: criteria provided, single submitter. Criteria: Invitae Variant Classification Sherloc (09022015). Collection method: clinical testing. Allele origin: germline.